The following is an entry in ClinVar:

ClinVar aggregate classification (germline): Pathogenic (1 of 4 stars; one submission).

Conditions:
Nephronophthisis. Also called: Juvenile Nephronophthisis. Identifiers: Orphanet 655, MedGen C0687120, MONDO:0019005, HP:0000090.
Jeune thoracic dystrophy. Also called: Jeune syndrome; Infantile thoracic dystrophy; Thoracic pelvic phalangeal dystrophy; Jeune's syndrome; Chondroectodermal dysplasia-like syndrome; Short-rib thoracic dysplasia. Identifiers: Orphanet 474, MedGen C0265275, MONDO:0018770.

Submission:

Labcorp Genetics (formerly Invitae), Labcorp
Classification: Pathogenic for Jeune thoracic dystrophy; Nephronophthisis. Last evaluated: 2021-04-11. Review status: criteria provided, single submitter. Criteria: Invitae Variant Classification Sherloc (09022015). Collection method: clinical testing. Allele origin: germline.
Comment: This sequence change creates a premature translational stop signal (p.Trp1055*) in the TTC21B gene. It is expected to result in an absent or disrupted protein product. Loss-of-function variants in TTC21B are known to be pathogenic (PMID: 18327258, 21068128, 21258341, 23559409, 24876116, 25492405, 27491411, 29068549). For these reasons, this variant has been classified as Pathogenic. This variant has not been reported in the literature in individuals with TTC21B-related conditions. This variant is not present in population databases (ExAC no frequency).

Literature cited by the submitters: PubMed 18327258; PubMed 21068128; PubMed 21258341; PubMed 23559409; PubMed 24876116; PubMed 25492405; PubMed 27491411; PubMed 29068549.

NM_024753.5(TTC21B):c.3164G>A (p.Trp1055Ter)

Gene: TTC21B (tetratricopeptide repeat domain 21B; minus strand). Cytogenetic location: 2q24.3.
Variant type: single nucleotide variant.
Coding change: c.3164G>A on transcript NM_024753.5 (MANE Select); coding-DNA position 3164, G replaced by A.
Protein change: p.Trp1055Ter; replaces tryptophan 1055 with a stop codon.
Molecular consequence: nonsense.
Genome position (GRCh38, 1-based): chr2:165,890,578, C>T on the plus strand (G>A on the coding strand, the complement: TTC21B is on the minus strand). VCF-style: chr2-165890578-C-T. GRCh37 (hg19) VCF-style: chr2-166747088-C-T.
Other names: short protein forms W1055*.
Identifiers: ClinVar variation 1351437 (VCV001351437.6), dbSNP rs772612775, ClinGen allele CA349048052.